The following is an entry in ClinVar:

NM_016604.4(KDM3B):c.4136A>G (p.His1379Arg)

Gene: KDM3B (lysine demethylase 3B; plus strand). Cytogenetic location: 5q31.2.
Variant type: single nucleotide variant.
Coding change: c.4136A>G on transcript NM_016604.4 (MANE Select); coding-DNA position 4136, A replaced by G.
Protein change: p.His1379Arg; replaces histidine 1379 with arginine.
Molecular consequence: missense variant.
Genome position (GRCh38, 1-based): chr5:138,424,238, A>G. VCF-style: chr5-138424238-A-G. GRCh37 (hg19) VCF-style: chr5-137759927-A-G.
Other names: short protein forms H1379R.
Identifiers: ClinVar variation 3234600 (VCV003234600.20), dbSNP rs2480311214, ClinGen allele CA361091927.

ClinVar aggregate classification (germline): Uncertain significance (1 of 4 stars; one submission).

Allele frequency attached by ClinVar (database versions not stated): gnomAD exomes below 0.00001.
gnomAD v4.1: 7 of 1,614,184 alleles (0.00043%); highest among the groups gnomAD compares: Non-Finnish European, 0.00059%; no homozygotes.

Submission:

CeGaT Center for Human Genetics Tuebingen
Classification: Uncertain significance. Last evaluated: 2024-03-01. Review status: criteria provided, single submitter. Criteria: CeGaT Center For Human Genetics Tuebingen Variant Classification Criteria Version 2. Collection method: clinical testing. Allele origin: germline. Affected: yes. Observed: 1 variant allele.
Comment: KDM3B: PM2